The following is an entry in ClinVar:

ClinVar aggregate classification (germline): Uncertain significance. Review status: criteria provided, multiple submitters, no conflicts (2 of 4 stars). 3 submissions from 3 submitters: Uncertain significance (3). Last evaluated 2026-03-24.

Conditions:
Inborn genetic diseases. Identifiers: MedGen C0950123, MeSH D030342.
CDH23-related disorder. Also called: CDH23-related disorders; CDH23-related condition.

gnomAD v4.1: 8 of 1,613,850 alleles (0.0005%); highest among the groups gnomAD compares: South Asian, 0.0011%; no homozygotes.

Submissions (3):

PreventionGenetics, part of Exact Sciences
Classification: Uncertain significance for CDH23-related condition. Last evaluated: 2026-03-24. Review status: criteria provided, single submitter. Criteria: ACMG Guidelines, 2015. Collection method: clinical testing. Allele origin: germline.
Comment: The CDH23 c.3916G>A variant is predicted to result in the amino acid substitution p.Glu1306Lys. To our knowledge, this variant has not been reported in the literature. This variant is reported in 0.0046% of alleles in individuals of European (Finnish) descent in gnomAD. At this time, the clinical significance of this variant is uncertain due to the absence of conclusive functional and genetic evidence.

Ambry Genetics
Classification: Uncertain significance for Inborn genetic diseases. Last evaluated: 2025-08-27. Review status: criteria provided, single submitter. Criteria: Ambry Variant Classification Scheme 2023. Collection method: clinical testing. Allele origin: germline.

Labcorp Genetics (formerly Invitae), Labcorp
Classification: Uncertain significance. Last evaluated: 2024-09-10. Review status: criteria provided, single submitter. Criteria: Invitae Variant Classification Sherloc (09022015). Collection method: clinical testing. Allele origin: germline.
Comment: This sequence change replaces glutamic acid, which is acidic and polar, with lysine, which is basic and polar, at codon 1306 of the CDH23 protein (p.Glu1306Lys). This variant is present in population databases (no rsID available, gnomAD 0.004%). This variant has not been reported in the literature in individuals affected with CDH23-related conditions. ClinVar contains an entry for this variant (Variation ID: 2140497). Invitae Evidence Modeling of protein sequence and biophysical properties (such as structural, functional, and spatial information, amino acid conservation, physicochemical variation, residue mobility, and thermodynamic stability) indicates that this missense variant is not expected to disrupt CDH23 protein function with a negative predictive value of 95%. In summary, the available evidence is currently insufficient to determine the role of this variant in disease. Therefore, it has been classified as a Variant of Uncertain Significance.

NM_022124.6(CDH23):c.3916G>A (p.Glu1306Lys)

Genes: C10orf105 (chromosome 10 open reading frame 105; minus strand), CDH23 (cadherin related 23; plus strand). Cytogenetic location: 10q22.1.
Variant type: single nucleotide variant.
Coding change: c.3916G>A on transcript NM_022124.6 (MANE Select); coding-DNA position 3916, G replaced by A.
Protein change: p.Glu1306Lys; replaces glutamic acid 1306 with lysine.
Molecular consequence: missense variant. On other transcripts: intron variant (1).
Genome position (GRCh38, 1-based): chr10:71,732,187, G>A. VCF-style: chr10-71732187-G-A. GRCh37 (hg19) VCF-style: chr10-73491944-G-A.
Other names: c.3916G>A, p.Glu1306Lys (NM_001171930.2); c.-6+5541C>T (NM_001168390.2); short protein forms E1306K.
Identifiers: ClinVar variation 2140497 (VCV002140497.4), dbSNP rs1007435841, ClinGen allele CA377156527.